The following is an entry in ClinVar:

ClinVar aggregate classification (germline): Pathogenic (1 of 4 stars; one submission).

Conditions:
Epilepsy, familial focal, with variable foci 1 (FFEVF1). Also called: DEPDC5-Related Epilepsy. Identifiers: MedGen C4551983, MONDO:0024556, OMIM 604364.

Submission:

Laboratory of Medical Genetics, National & Kapodistrian University of Athens
Classification: Pathogenic for Epilepsy, familial focal, with variable foci 1. Last evaluated: 2021-08-10. Review status: criteria provided, single submitter. Criteria: ACMG Guidelines, 2015. Collection method: clinical testing. Allele origin: de novo. Affected: yes.
Comment: PVS1, PS2, PM2, PP3

NM_001242896.3(DEPDC5):c.147-2A>C

Gene: DEPDC5 (DEP domain containing 5, GATOR1 subcomplex subunit; plus strand). Cytogenetic location: 22q12.2.
Variant type: single nucleotide variant.
Coding change: c.147-2A>C on transcript NM_001242896.3 (MANE Select); the canonical splice acceptor site of the intron before coding-DNA position 147, A replaced by C.
Molecular consequence: splice acceptor variant.
Genome position (GRCh38, 1-based): chr22:31,760,654, A>C. VCF-style: chr22-31760654-A-C. GRCh37 (hg19) VCF-style: chr22-32156640-A-C.
Other names: c.147-2A>C (NM_001364318.2, NM_001136029.4, NM_014662.6 and 9 more transcripts).
Identifiers: ClinVar variation 1299564 (VCV001299564.1), dbSNP rs2148027312, ClinGen allele CA411279538.